The following is an entry in ClinVar:

ClinVar aggregate classification (germline): Pathogenic (1 of 4 stars; one submission).

Conditions:
Hyper-IgE recurrent infection syndrome 3, autosomal recessive. Also called: Autosomal recessive hyper-IgE syndrome due to ZNF341 deficiency; HYPER-IgE SYNDROME 3, AUTOSOMAL RECESSIVE, WITH RECURRENT INFECTIONS. Identifiers: Orphanet 641368, MedGen C4748969, MONDO:0032654, OMIM 618282.

Submission:

Labcorp Genetics (formerly Invitae), Labcorp
Classification: Pathogenic for Combined immunodeficiency due to DOCK8 deficiency. Last evaluated: 2020-03-18. Review status: criteria provided, single submitter. Criteria: Invitae Variant Classification Sherloc (09022015). Collection method: clinical testing. Allele origin: germline.
Comment: For these reasons, this variant has been classified as Pathogenic. Loss-of-function variants in DOCK8 are known to be pathogenic (PMID: 14722525, 19776401). This variant has not been reported in the literature in individuals with DOCK8-related conditions. This variant is a gross deletion of the genomic region encompassing exons 1-3 of the DOCK8 gene, which includes the initiator codon. The 5' end of this event is unknown as it extends beyond the assayed region for this gene and therefore may encompass additional genes. The 3' boundary is likely confined to intron 3 of the DOCK8 gene. This is expected to result in an absent or disrupted protein product.

Literature cited by the submitters: PubMed 14722525; PubMed 19776401.

NC_000009.11:g.(?_214957)_(286656_?)del

Genes: DOCK8 (dedicator of cytokinesis 8; plus strand), DOCK8-AS1 (DOCK8 antisense RNA 1; minus strand). Cytogenetic location: 9p24.3.
Variant type: Deletion.
Identifiers: ClinVar variation 1070494 (VCV001070494.9).